The following is an entry in ClinVar:

ClinVar aggregate classification (germline): Uncertain significance (1 of 4 stars; one submission).

Allele frequency attached by ClinVar (database versions not stated): gnomAD 0.00001; TOPMed 0.00001.
gnomAD v4.1: 18 of 1,607,896 alleles (0.0011%); highest among the groups gnomAD compares: Non-Finnish European, 0.0015%; no homozygotes.

Submission:

Labcorp Genetics (formerly Invitae), Labcorp
Classification: Uncertain significance. Last evaluated: 2025-04-08. Review status: criteria provided, single submitter. Criteria: Invitae Variant Classification Sherloc (09022015). Collection method: clinical testing. Allele origin: germline.
Comment: This sequence change replaces glutamic acid, which is acidic and polar, with lysine, which is basic and polar, at codon 365 of the ATF6 protein (p.Glu365Lys). This variant is not present in population databases (gnomAD no frequency). This variant has not been reported in the literature in individuals affected with ATF6-related conditions. ClinVar contains an entry for this variant (Variation ID: 1346466). An algorithm developed to predict the effect of missense changes on protein structure and function (PolyPhen-2) suggests that this variant is likely to be disruptive. In summary, the available evidence is currently insufficient to determine the role of this variant in disease. Therefore, it has been classified as a Variant of Uncertain Significance.

NM_007348.4(ATF6):c.1093G>A (p.Glu365Lys)

Gene: ATF6 (activating transcription factor 6; plus strand). Cytogenetic location: 1q23.3.
Variant type: single nucleotide variant.
Coding change: c.1093G>A on transcript NM_007348.4 (MANE Select); coding-DNA position 1093, G replaced by A.
Protein change: p.Glu365Lys; replaces glutamic acid 365 with lysine.
Molecular consequence: missense variant.
Genome position (GRCh38, 1-based): chr1:161,819,816, G>A. VCF-style: chr1-161819816-G-A. GRCh37 (hg19) VCF-style: chr1-161789606-G-A.
Other names: short protein forms E365K.
Identifiers: ClinVar variation 1346466 (VCV001346466.8), dbSNP rs772605686, ClinGen allele CA343372970.